The following is an entry in ClinVar:

ClinVar aggregate classification (germline): Uncertain significance (1 of 4 stars; one submission).

Conditions:
Cardiovascular phenotype. Identifiers: MedGen CN230736.

gnomAD v4.1: 1 of 1,614,006 alleles (0.000062%); highest among the groups gnomAD compares: Non-Finnish European, 0.000085%; no homozygotes.

Submission:

Ambry Genetics
Classification: Uncertain significance for Cardiovascular phenotype. Last evaluated: 2024-09-20. Review status: criteria provided, single submitter. Criteria: Ambry Variant Classification Scheme 2023. Collection method: clinical testing. Allele origin: germline.
Comment: The p.H348R variant (also known as c.1043A>G), located in coding exon 7 of the LPL gene, results from an A to G substitution at nucleotide position 1043. The histidine at codon 348 is replaced by arginine, an amino acid with highly similar properties. This amino acid position is conserved. In addition, this alteration is predicted to be tolerated by in silico analysis. Based on the available evidence, the clinical significance of this variant remains unclear.

NM_000237.3(LPL):c.1043A>G (p.His348Arg)

Gene: LPL (lipoprotein lipase; plus strand). Cytogenetic location: 8p21.3.
Variant type: single nucleotide variant.
Coding change: c.1043A>G on transcript NM_000237.3 (MANE Select); coding-DNA position 1043, A replaced by G.
Protein change: p.His348Arg; replaces histidine 348 with arginine.
Molecular consequence: missense variant.
Genome position (GRCh38, 1-based): chr8:19,959,284, A>G. VCF-style: chr8-19959284-A-G. GRCh37 (hg19) VCF-style: chr8-19816795-A-G.
Other names: short protein forms H348R.
Identifiers: ClinVar variation 3539216 (VCV003539216.1).
Genomic context (GRCh38, chr8:19,959,284, plus strand): 5'-AGATTGATCAACATGTTCGAATTTCCTCCCCAACAGTCTTCCATTACCAAGTAAAGATTC[A>G]TTTTTCTGGGACTGAGAGTGAAACCCATACCAATCAGGCCTTTGAGATTTCTCTGTATGG-3'
Protein context (NP_000228.1, residues 338-358): YKVFHYQVKI[His348Arg]FSGTESETHT